The following is an entry in ClinVar:

NM_001844.5(COL2A1):c.2463+5G>A

Gene: COL2A1 (collagen type II alpha 1 chain; minus strand). Cytogenetic location: 12q13.11.
Variant type: single nucleotide variant.
Coding change: c.2463+5G>A on transcript NM_001844.5 (MANE Select); 5 bases into the intron after coding-DNA position 2463, G replaced by A.
Molecular consequence: intron variant.
Genome position (GRCh38, 1-based): chr12:47,981,338, C>T on the plus strand (G>A on the coding strand, the complement: COL2A1 is on the minus strand). VCF-style: chr12-47981338-C-T. GRCh37 (hg19) VCF-style: chr12-48375121-C-T.
Other names: c.2256+5G>A (NM_033150.3).
Identifiers: ClinVar variation 1373322 (VCV001373322.7), dbSNP rs747075073, ClinGen allele CA6535091.

ClinVar aggregate classification (germline): Uncertain significance. Review status: criteria provided, multiple submitters, no conflicts (2 of 4 stars). 2 submissions from 2 submitters: Uncertain significance (2). Last evaluated 2025-09-18.

Allele frequency attached by ClinVar (database versions not stated): gnomAD exomes below 0.00001 and 0.00002; ExAC 0.00003.
gnomAD v4.1: 2 of 1,612,624 alleles (0.00012%); highest among the groups gnomAD compares: Non-Finnish European, 0.00017%; no homozygotes.

Submissions (2):

GeneDx
Classification: Uncertain significance. Last evaluated: 2025-09-18. Review status: criteria provided, single submitter. Criteria: GeneDx Variant Classification Process June 2021. Collection method: clinical testing. Allele origin: germline. Affected: yes.
Comment: In silico analysis is inconclusive as to whether the variant alters gene splicing; in the absence of RNA/functional studies, the actual effect of this sequence change is unknown; Has not been previously published as pathogenic or benign to our knowledge

Labcorp Genetics (formerly Invitae), Labcorp
Classification: Uncertain significance. Last evaluated: 2024-04-29. Review status: criteria provided, single submitter. Criteria: Invitae Variant Classification Sherloc (09022015). Collection method: clinical testing. Allele origin: germline.
Comment: This sequence change falls in intron 37 of the COL2A1 gene. It does not directly change the encoded amino acid sequence of the COL2A1 protein. It affects a nucleotide within the consensus splice site. This variant is present in population databases (rs747075073, gnomAD 0.004%). This variant has not been reported in the literature in individuals affected with COL2A1-related conditions. ClinVar contains an entry for this variant (Variation ID: 1373322). Variants that disrupt the consensus splice site are a relatively common cause of aberrant splicing (PMID: 17576681, 9536098). Algorithms developed to predict the effect of sequence changes on RNA splicing suggest that this variant may disrupt the consensus splice site. In summary, the available evidence is currently insufficient to determine the role of this variant in disease. Therefore, it has been classified as a Variant of Uncertain Significance.

Literature cited by the submitters: PubMed 17576681 (cited by Labcorp Genetics (formerly Invitae), Labcorp); PubMed 9536098 (cited by Labcorp Genetics (formerly Invitae), Labcorp).